The following is an entry in ClinVar:

ClinVar aggregate classification (germline): Likely benign. Review status: criteria provided, multiple submitters, no conflicts (2 of 4 stars). 2 submissions from 2 submitters: Likely benign (2). Last evaluated 2025-11-01.

Conditions:
Inborn genetic diseases. Identifiers: MedGen C0950123, MeSH D030342.

Allele frequency attached by ClinVar (database versions not stated): ESP Exome Variant Server 0.00017; ExAC 0.00018; TOPMed 0.00022; gnomAD 0.00023; gnomAD exomes 0.00029.
gnomAD v4.1: 459 of 1,612,722 alleles (0.028%); highest among the groups gnomAD compares: Non-Finnish European, 0.035%; no homozygotes.

Submissions (2):

CeGaT Center for Human Genetics Tuebingen
Classification: Likely benign. Last evaluated: 2025-11-01. Review status: criteria provided, single submitter. Criteria: CeGaT Center For Human Genetics Tuebingen Variant Classification Criteria Version 2. Collection method: clinical testing. Allele origin: germline. Affected: yes. Observed: 1 variant allele.
Comment: ZNF292: BP4

Ambry Genetics
Classification: Likely benign for Inborn genetic diseases. Last evaluated: 2021-10-27. Review status: criteria provided, single submitter. Criteria: Ambry Variant Classification Scheme 2023. Collection method: clinical testing. Allele origin: germline.

NM_015021.3(ZNF292):c.6946C>T (p.Arg2316Trp)

Gene: ZNF292 (zinc finger protein 292; plus strand). Cytogenetic location: 6q14.3.
Variant type: single nucleotide variant.
Coding change: c.6946C>T on transcript NM_015021.3 (MANE Select); coding-DNA position 6946, C replaced by T.
Protein change: p.Arg2316Trp; replaces arginine 2316 with tryptophan.
Molecular consequence: missense variant.
Genome position (GRCh38, 1-based): chr6:87,260,575, C>T. VCF-style: chr6-87260575-C-T. GRCh37 (hg19) VCF-style: chr6-87970293-C-T.
Other names: c.6526C>T, p.Arg2176Trp (NM_001351444.2); short protein forms R2176W, R2316W.
Identifiers: ClinVar variation 2341451 (VCV002341451.8), dbSNP rs201424493, ClinGen allele CA3914705.